The following is an entry in ClinVar:

ClinVar aggregate classification (germline): Benign. Review status: criteria provided, multiple submitters, no conflicts (2 of 4 stars). 2 submissions from 2 submitters: Benign (2). Last evaluated 2026-01-15.

Conditions:
Congenital secretory diarrhea, chloride type (DIAR1). Also called: CHLORIDE DIARRHEA, CONGENITAL, FINNISH TYPE; DIARRHEA 1, SECRETORY CHLORIDE, CONGENITAL; CHLORIDORRHEA, CONGENITAL. Identifiers: Orphanet 53689, MedGen C0267662, MONDO:0008964, OMIM 214700.

Allele frequency attached by ClinVar (database versions not stated): gnomAD 0.00056 and 0.00088; gnomAD exomes 0.00116 and 0.00244; TOPMed 0.00117; ExAC 0.00231; 1000 Genomes Project 0.00359; 1000 Genomes Project 30x 0.00359.
gnomAD v4.1: 1,811 of 1,613,612 alleles (0.11%); highest among the groups gnomAD compares: East Asian, 3%; 41 homozygotes.

Submissions (2):

Labcorp Genetics (formerly Invitae), Labcorp
Classification: Benign. Last evaluated: 2026-01-15. Review status: criteria provided, single submitter. Criteria: Invitae Variant Classification Sherloc (09022015). Collection method: clinical testing. Allele origin: germline.

Illumina Laboratory Services, Illumina
Classification: Benign for Congenital secretory diarrhea, chloride type. Last evaluated: 2017-04-27. Review status: criteria provided, single submitter. Criteria: ICSL Variant Classification Criteria 13 December 2019. Collection method: clinical testing. Allele origin: germline.
Comment: This variant was observed as part of a predisposition screen in an ostensibly healthy population. A literature search was performed for the gene, cDNA change, and amino acid change (where applicable). Publications were found based on this search. The evidence from the literature, in combination with allele frequency data from public databases where available, was sufficient to rule this variant out of causing disease. Therefore, this variant is classified as benign.

Literature cited by the submitters: PubMed 12442266 (cited by Illumina Laboratory Services, Illumina); PubMed 21394828 (cited by Illumina Laboratory Services, Illumina); PubMed 11524734 (cited by Illumina Laboratory Services, Illumina); PubMed 23756661 (cited by Illumina Laboratory Services, Illumina).

NM_000111.3(SLC26A3):c.1661G>A (p.Arg554Gln)

Gene: SLC26A3 (solute carrier family 26 member 3; minus strand). Cytogenetic location: 7q22.3.
Variant type: single nucleotide variant.
Coding change: c.1661G>A on transcript NM_000111.3 (MANE Select); coding-DNA position 1661, G replaced by A.
Protein change: p.Arg554Gln; replaces arginine 554 with glutamine.
Molecular consequence: missense variant.
Genome position (GRCh38, 1-based): chr7:107,776,468, C>T on the plus strand (G>A on the coding strand, the complement: SLC26A3 is on the minus strand). VCF-style: chr7-107776468-C-T. GRCh37 (hg19) VCF-style: chr7-107416913-C-T.
Other names: short protein forms R554Q.
Identifiers: ClinVar variation 908257 (VCV000908257.11), dbSNP rs2301635, ClinGen allele CA4433755.